The following is an entry in ClinVar:

ClinVar aggregate classification (germline): Uncertain significance (1 of 4 stars; one submission).

gnomAD v4.1: 1 of 1,614,204 alleles (0.000062%); highest among the groups gnomAD compares: Non-Finnish European, 0.000085%; no homozygotes.

Submission:

Ambry Genetics
Classification: Uncertain significance. Last evaluated: 2024-06-30. Review status: criteria provided, single submitter. Criteria: Ambry Variant Classification Scheme 2023. Collection method: clinical testing. Allele origin: germline.
Comment: The p.N292I variant (also known as c.875A>T), located in coding exon 3 of the ALPK2 gene, results from an A to T substitution at nucleotide position 875. The asparagine at codon 292 is replaced by isoleucine, an amino acid with dissimilar properties. This amino acid position is conserved. In addition, this alteration is predicted to be tolerated by in silico analysis. Since supporting evidence is limited at this time, the clinical significance of this alteration remains unclear.

NM_052947.4(ALPK2):c.875A>T (p.Asn292Ile)

Genes: ALPK2 (alpha kinase 2; minus strand), LOC114803473 (ALPK2 eExon liver enhancer; plus strand). Cytogenetic location: 18q21.31.
Variant type: single nucleotide variant.
Coding change: c.875A>T on transcript NM_052947.4 (MANE Select); coding-DNA position 875, A replaced by T.
Protein change: p.Asn292Ile; replaces asparagine 292 with isoleucine.
Molecular consequence: missense variant.
Genome position (GRCh38, 1-based): chr18:58,579,901, T>A on the plus strand (A>T on the coding strand, the complement: ALPK2 is on the minus strand). VCF-style: chr18-58579901-T-A. GRCh37 (hg19) VCF-style: chr18-56247133-T-A.
Other names: short protein forms N292I.
Identifiers: ClinVar variation 1764563 (VCV001764563.3), dbSNP rs2144199035, ClinGen allele CA402566955.